The following is an entry in ClinVar:

ClinVar aggregate classification (germline): Pathogenic/Likely pathogenic. Review status: criteria provided, multiple submitters, no conflicts (2 of 4 stars). 2 submissions from 2 submitters: Pathogenic (1); Likely pathogenic (1). Last evaluated 2025-07-15.

Conditions:
Corneal dystrophy-perceptive deafness syndrome (CDPD). Also called: CORNEAL DYSTROPHY AND SENSORINEURAL DEAFNESS; HARBOYAN SYNDROME. Identifiers: Orphanet 1490, MedGen C1857572, MONDO:0009015, OMIM 217400.

Allele frequency attached by ClinVar (database versions not stated): TOPMed below 0.00001; gnomAD 0.00001.

Submissions (2):

Natera, Inc.
Classification: Likely pathogenic for Corneal dystrophy-perceptive deafness syndrome. Last evaluated: 2025-07-15. Review status: criteria provided, single submitter. Criteria: Natera Variant Classification Schema (03/2026). Collection method: clinical testing. Allele origin: germline.
Comment: The c.175C>T variant in SLC4A11 is a nonsense variant predicted to introduce a stop codon at amino acid 59. This variant is expected to result in nonsense mediated decay, truncation, or a dysfunctional protein product. This variant is rare in the general population with a frequency below the threshold expected for the associated phenotype(s). Given the available evidence, this variant is classified as Likely Pathogenic.

Labcorp Genetics (formerly Invitae), Labcorp
Classification: Pathogenic. Last evaluated: 2023-10-30. Review status: criteria provided, single submitter. Criteria: Invitae Variant Classification Sherloc (09022015). Collection method: clinical testing. Allele origin: germline.
Comment: This sequence change creates a premature translational stop signal (p.Arg59*) in the SLC4A11 gene. It is expected to result in an absent or disrupted protein product. Loss-of-function variants in SLC4A11 are known to be pathogenic (PMID: 17220209, 17679935). This variant is present in population databases (no rsID available, gnomAD 0.006%). This variant has not been reported in the literature in individuals affected with SLC4A11-related conditions. For these reasons, this variant has been classified as Pathogenic.

Literature cited by the submitters: PubMed 17220209 (cited by Labcorp Genetics (formerly Invitae), Labcorp); PubMed 17679935 (cited by Labcorp Genetics (formerly Invitae), Labcorp).

NM_001174089.2(SLC4A11):c.127C>T (p.Arg43Ter)

Gene: SLC4A11 (solute carrier family 4 member 11; minus strand). Cytogenetic location: 20p13.
Variant type: single nucleotide variant.
Coding change: c.127C>T on transcript NM_001174089.2 (MANE Select); coding-DNA position 127, C replaced by T.
Protein change: p.Arg43Ter; replaces arginine 43 with a stop codon.
Molecular consequence: nonsense. On other transcripts: non-coding transcript variant (3).
Genome position (GRCh38, 1-based): chr20:3,234,856, G>A on the plus strand (C>T on the coding strand, the complement: SLC4A11 is on the minus strand). VCF-style: chr20-3234856-G-A. GRCh37 (hg19) VCF-style: chr20-3215502-G-A.
Other names: c.256C>T, p.Arg86Ter (NM_001174090.2, NM_001400280.1); c.127C>T, p.Arg43Ter (NM_001363745.2); c.70C>T, p.Arg24Ter (NM_001400277.1, NM_001400278.1, NM_001400279.1); c.175C>T, p.Arg59Ter (NM_032034.4); c.175C>T (NM_032034.3); short protein forms R59*, R43*, R86*, R24*.
Identifiers: ClinVar variation 2776318 (VCV002776318.4), dbSNP rs1362719565, ClinGen allele CA408096742.
Genomic context (GRCh38, chr20:3,234,856, plus strand): 5'-CGCCAGACACGATGGAGGAGTTGGCAGTGTCGAAGGCCTCATCCCCCAGGATCTCCTCTC[G>A]GGCTTCGAAGGTGTCATCTGTGTCACACTTGTAGTAGCCTAGAGACCCCCAAGAGCAAGA-3'